The following is an entry in ClinVar:

ClinVar aggregate classification (germline): Conflicting classifications of pathogenicity. Review status: criteria provided, conflicting classifications (1 of 4 stars). 3 submissions from 3 submitters: Pathogenic (1); Likely pathogenic (1); Uncertain significance (1). Last evaluated 2026-10-08.

Conditions:
Cobblestone lissencephaly without muscular or ocular involvement. Also called: Lissencephaly 5; LEUKOENCEPHALOPATHY WITH VARIABLE CORTICAL BRAIN MALFORMATIONS AND/OR HYDROCEPHALUS. Identifiers: Orphanet 352682, MedGen C3554657, MONDO:0014077, OMIM 615191.

Allele frequency attached by ClinVar (database versions not stated): ExAC 0.00001; TOPMed 0.00011; gnomAD 0.00013.
gnomAD v4.1: 34 of 1,613,918 alleles (0.0021%); highest among the groups gnomAD compares: Admixed American, 0.045%; no homozygotes.

Submissions (3):

GeneDx
Classification: Uncertain significance. Last evaluated: 2026-10-08. Review status: criteria provided, single submitter. Criteria: GeneDx Variant Classification Process June 2021. Collection method: clinical testing. Allele origin: germline.
Comment: Nonsense variant predicted to result in protein truncation or nonsense mediated decay in a gene for which loss of function is a known mechanism of disease; Has not been previously published as pathogenic or benign to our knowledge

Labcorp Genetics (formerly Invitae), Labcorp
Classification: Pathogenic. Last evaluated: 2025-11-25. Review status: criteria provided, single submitter. Criteria: Invitae Variant Classification Sherloc (09022015). Collection method: clinical testing. Allele origin: germline.
Comment: This sequence change creates a premature translational stop signal (p.Arg327*) in the LAMB1 gene. It is expected to result in an absent or disrupted protein product. Loss-of-function variants in LAMB1 are known to be pathogenic (PMID: 23472759, 25925986). This variant is present in population databases (rs747409509, gnomAD 0.02%). This variant has not been reported in the literature in individuals affected with LAMB1-related conditions. ClinVar contains an entry for this variant (Variation ID: 3242128). For these reasons, this variant has been classified as Pathogenic.

Neuberg Centre For Genomic Medicine, NCGM
Classification: Likely pathogenic for Cobblestone lissencephaly without muscular or ocular involvement. Review status: criteria provided, single submitter. Criteria: ACMG Guidelines, 2015. Collection method: clinical testing. Allele origin: germline. Inheritance: Autosomal recessive inheritance. Affected: yes.
Comment: The observed stop gained c.979C>T (p.Arg327Ter) variant in LAMB1 gene has not been previously reported as a pathogenic variant nor as a benign variant, to our knowledge. The p.Arg327Ter variant has been reported with allele frequency of 0.004% in gnomAD Exomes. This variant has not been submitted to the ClinVar database. The nucleotide change c.979C>T in LAMB1 is predicted as conserved by GERP++ and PhyloP across 100 vertebrates. This sequence change creates a premature translational stop signal (p.Arg327Ter) in the LAMB1 gene. This variant is predicted to cause loss of normal protein function through protein truncation. Loss of function variants in LAMB1 gene have been previously reported to be pathogenic (Radmanesh et al., 2013). Computational evidence (MutationTaster - Disease causing) predicts damaging effect on protein structure and function for this variant. However, additional functional studies will be required to prove the pathogenicity of this variant. For these reasons, this variant has been classified as Likely Pathogenic.

Literature cited by the submitters: PubMed 23472759 (cited by Labcorp Genetics (formerly Invitae), Labcorp); PubMed 25925986 (cited by Labcorp Genetics (formerly Invitae), Labcorp).

NM_002291.3(LAMB1):c.979C>T (p.Arg327Ter)

Gene: LAMB1 (laminin subunit beta 1; minus strand). Cytogenetic location: 7q31.1.
Variant type: single nucleotide variant.
Coding change: c.979C>T on transcript NM_002291.3 (MANE Select); coding-DNA position 979, C replaced by T.
Protein change: p.Arg327Ter; replaces arginine 327 with a stop codon.
Molecular consequence: nonsense.
Genome position (GRCh38, 1-based): chr7:107,978,068, G>A on the plus strand (C>T on the coding strand, the complement: LAMB1 is on the minus strand). VCF-style: chr7-107978068-G-A. GRCh37 (hg19) VCF-style: chr7-107618513-G-A.
Other names: c.979C>T (NM_002291.2); short protein forms R327*.
Identifiers: ClinVar variation 3242128 (VCV003242128.3), dbSNP rs747409509.
Genomic context (GRCh38, chr7:107,978,068, plus strand): 5'-CCTGAATGGATTTAAAATGTCCCTTCAACACAGACTTACTTTTACAGGCGTTGCTGTTTC[G>A]GCCTTCAGCAGGTCTCCAAGGTAAATCATGGTAGAAATCCATGCAGAGTTCACAGTTTAA-3'